The following is an entry in ClinVar:

ClinVar aggregate classification (germline): Likely benign (1 of 4 stars; one submission).

Allele frequency attached by ClinVar (database versions not stated): gnomAD 0.01241 and 0.01279; TOPMed 0.01333; 1000 Genomes Project 0.01677; 1000 Genomes Project 30x 0.01749.
gnomAD v4.1: 1,884 of 152,212 alleles (1.2%); highest among the groups gnomAD compares: East Asian, 3.1%; 27 homozygotes.

Submission:

GeneDx
Classification: Likely benign. Last evaluated: 2018-06-16. Review status: criteria provided, single submitter. Criteria: GeneDx Variant Classification (06012015). Collection method: clinical testing. Allele origin: germline. Affected: yes.
Comment: This variant is considered likely benign or benign based on one or more of the following criteria: it is a conservative change, it occurs at a poorly conserved position in the protein, it is predicted to be benign by multiple in silico algorithms, and/or has population frequency not consistent with disease.

NM_001130987.2(DYSF):c.4627-292A>G

Gene: DYSF (dysferlin; plus strand). Cytogenetic location: 2p13.2.
Variant type: single nucleotide variant.
Coding change: c.4627-292A>G on transcript NM_001130987.2 (MANE Select); 292 bases into the intron before coding-DNA position 4627, A replaced by G.
Molecular consequence: intron variant.
Genome position (GRCh38, 1-based): chr2:71,655,870, A>G. VCF-style: chr2-71655870-A-G. GRCh37 (hg19) VCF-style: chr2-71883000-A-G.
Other names: c.4603-292A>G (NM_001130979.2); c.4624-292A>G (NM_001130981.2); c.4561-292A>G (NM_001130980.2); c.4573-292A>G (NM_001130978.2); c.4510-292A>G (NM_003494.4); c.4531-292A>G (NM_001130977.2); c.4468-292A>G (NM_001130976.2); c.4606-292A>G (NM_001130982.2); and 5 more.
Identifiers: ClinVar variation 673602 (VCV000673602.1), dbSNP rs3749025, ClinGen allele CA49760079.